The following is an entry in ClinVar:

ClinVar aggregate classification (germline): Likely pathogenic (1 of 4 stars; one submission).

Submission:

Quest Diagnostics Nichols Institute San Juan Capistrano
Classification: Likely pathogenic. Last evaluated: 2022-03-30. Review status: criteria provided, single submitter. Criteria: ACMG/ClinGen CNV Guidelines, 2019. Collection method: clinical testing. Allele origin: unknown.
Comment: This copy number gain includes the recurrent 2q11.2 duplication syndrome region and additional genes. The proximal 2q region contains a cluster of low copy repeats that mediate recurrent copy number changes through non-allelic homologous recombination. Duplications involving recurrent breakpoints within the 2q11.2 region (including genes ARID5A and LMAN2L) have been reported in some patients with short stature, mild facial dysmorphism, developmental delay, and intellectual disability. Reduced penetrance and variable expressivity have also been noted for copy number variations of 2q11.1q13. Similar copy number gains have been reported at low frequency in the general populations of the Database of Genomic Variants and the Genome Aggregation Database (gnomAD). ClinGen gives the recurrent 2q11.2 duplication region a score of 1, with limited evidence for pathogenicity at this time. However, the duplication reported here is larger than the recurrent duplication and contains additional genes which may cause phenotypic and/or developmental abnormalities. Thus, the classification of this copy number variant (CNV) is likely pathogenic. References: Rudd et al. Hum Mol Genet. 2009 Aug 15;18(16):2957-62 PMID: 19443486. Riley et al. Am J Med Genet A. 2015 Nov;167A(11):2664-73. PMID: 26227573.

GRCh37/hg19 2q11.1-11.2(chr2:95341388-100340514)x3

Genes: ACTR1B (actin related protein 1B; minus strand), ADRA2B (adrenoceptor alpha 2B; minus strand), AFF3 (ALF transcription elongation factor 3; minus strand), ANKRD23 (ankyrin repeat domain 23; minus strand), ANKRD36 (ankyrin repeat domain 36; plus strand) and 51 more. Cytogenetic location: 2q11.1-11.2.
Variant type: copy number gain.
Change: copy number 3 (three copies instead of two) of chr2:95,341,388-100,340,514 (5.00 Mb, GRCh37 coordinates, 1-based), cytogenetic band 2q11.1-11.2.
Identifiers: ClinVar variation 1808615 (VCV001808615.1).